The following is an entry in ClinVar:

ClinVar aggregate classification (germline): Conflicting classifications of pathogenicity. Review status: criteria provided, conflicting classifications (1 of 4 stars). 4 submissions from 4 submitters: Uncertain significance (2); Likely benign (2). Last evaluated 2025-11-27.

Conditions:
Cardiovascular phenotype. Identifiers: MedGen CN230736.
Hypercholesterolemia, autosomal dominant, type B (FHCL2). Also called: Hyperlipoproteinemia Type IIb; Familial Hypercholesterolemia Type B; APOLIPOPROTEIN B-100, FAMILIAL DEFECTIVE; APOLIPOPROTEIN B-100, FAMILIAL LIGAND-DEFECTIVE; Familial hypercholesterolemia 2; APOB-Related Familial Hypercholesterolemia, Autosomal Dominant. Identifiers: MedGen C1704417, MONDO:0007751, OMIM 144010.
Familial hypobetalipoproteinemia 1. Also called: Hypobetalipoproteinemia, normotriglyceridemic; Acanthocytosis with hypobetalipoproteinemia; APOB-Related Familial Hypobetalipoproteinemia. Identifiers: MedGen C4551990, MONDO:0014252, OMIM 615558.

Allele frequency attached by ClinVar (database versions not stated): ExAC 0.00008; ESP Exome Variant Server 0.00008; TOPMed 0.00009; gnomAD 0.00011.
gnomAD v4.1: 79 of 1,591,604 alleles (0.005%); highest among the groups gnomAD compares: East Asian, 0.033%; 1 homozygote.

Submissions (4):

Labcorp Genetics (formerly Invitae), Labcorp
Classification: Likely benign for Familial hypobetalipoproteinemia 1; Hypercholesterolemia, autosomal dominant, type B. Last evaluated: 2025-11-27. Review status: criteria provided, single submitter. Criteria: Invitae Variant Classification Sherloc (09022015). Collection method: clinical testing. Allele origin: germline.

Quest Diagnostics Nichols Institute San Juan Capistrano
Classification: Uncertain significance. Last evaluated: 2024-04-03. Review status: criteria provided, single submitter. Criteria: Quest Diagnostics criteria. Collection method: clinical testing. Allele origin: unknown.
Comment: The APOB c.890G>A (p.Arg297His) variant has not been reported in individuals with APOB-related conditions in the published literature. The frequency of this variant in the general population, 0.00045 (9/19954 chromosomes (Genome Aggregation Database)), is uninformative in the assessment of its pathogenicity. Analysis of this variant using bioinformatics tools for the prediction of the effect of amino acid changes on protein structure and function yielded conflicting predictions that this variant is benign or damaging. Based on the available information, we are unable to determine the clinical significance of this variant.

Fulgent Genetics
Classification: Uncertain significance for Hypercholesterolemia, autosomal dominant, type B; Familial hypobetalipoproteinemia 1. Last evaluated: 2021-08-24. Review status: criteria provided, single submitter. Criteria: ACMG Guidelines, 2015. Collection method: clinical testing. Allele origin: unknown.

Ambry Genetics
Classification: Likely benign for Cardiovascular phenotype. Last evaluated: 2021-07-01. Review status: criteria provided, single submitter. Criteria: Ambry Variant Classification Scheme 2023. Collection method: clinical testing. Allele origin: germline.

NM_000384.3(APOB):c.890G>A (p.Arg297His)

Gene: APOB (apolipoprotein B; minus strand). Cytogenetic location: 2p24.1.
Variant type: single nucleotide variant.
Coding change: c.890G>A on transcript NM_000384.3 (MANE Select); coding-DNA position 890, G replaced by A.
Protein change: p.Arg297His; replaces arginine 297 with histidine.
Molecular consequence: missense variant.
Genome position (GRCh38, 1-based): chr2:21,034,830, C>T on the plus strand (G>A on the coding strand, the complement: APOB is on the minus strand). VCF-style: chr2-21034830-C-T. GRCh37 (hg19) VCF-style: chr2-21257702-C-T.
Other names: short protein forms R297H.
Identifiers: ClinVar variation 577386 (VCV000577386.15), dbSNP rs147223101, ClinGen allele CA066116.